The following is an entry in ClinVar:

NM_198253.3(TERT):c.2783T>G (p.Phe928Cys)

Gene: TERT (telomerase reverse transcriptase; minus strand). Cytogenetic location: 5p15.33.
Variant type: single nucleotide variant.
Coding change: c.2783T>G on transcript NM_198253.3 (MANE Select); coding-DNA position 2783, T replaced by G.
Protein change: p.Phe928Cys; replaces phenylalanine 928 with cysteine.
Molecular consequence: missense variant. On other transcripts: intron variant (1).
Genome position (GRCh38, 1-based): chr5:1,264,464, A>C on the plus strand (T>G on the coding strand, the complement: TERT is on the minus strand). VCF-style: chr5-1264464-A-C. GRCh37 (hg19) VCF-style: chr5-1264579-A-C.
Other names: c.2654+2000T>G (NM_001193376.3); short protein forms F928C.
Identifiers: ClinVar variation 1037960 (VCV001037960.9), dbSNP rs1748453531, ClinGen allele CA359071653.

ClinVar aggregate classification (germline): Uncertain significance (1 of 4 stars; one submission).

Conditions:
Dyskeratosis congenita, autosomal dominant 2. Identifiers: MedGen C3151443, MONDO:0013521, OMIM 613989.
Idiopathic Pulmonary Fibrosis. Also called: Idiopathic fibrosing alveolitis, chronic form; idiopathic fibrosing alveolitis. Identifiers: Orphanet 2032, MedGen C1800706, MeSH D054990, MONDO:0800504.

Submission:

Labcorp Genetics (formerly Invitae), Labcorp
Classification: Uncertain significance for Dyskeratosis congenita, autosomal dominant 2; Idiopathic Pulmonary Fibrosis. Last evaluated: 2020-10-12. Review status: criteria provided, single submitter. Criteria: Invitae Variant Classification Sherloc (09022015). Collection method: clinical testing. Allele origin: germline.
Comment: This sequence change replaces phenylalanine with cysteine at codon 928 of the TERT protein (p.Phe928Cys). The phenylalanine residue is highly conserved and there is a large physicochemical difference between phenylalanine and cysteine. This variant is not present in population databases (ExAC no frequency). This variant has not been reported in the literature in individuals with TERT-related conditions. Advanced modeling of protein sequence and biophysical properties (such as structural, functional, and spatial information, amino acid conservation, physicochemical variation, residue mobility, and thermodynamic stability) performed at Invitae indicates that this missense variant is expected to disrupt TERT protein function. In summary, the available evidence is currently insufficient to determine the role of this variant in disease. Therefore, it has been classified as a Variant of Uncertain Significance.